The following is an entry in ClinVar:

NC_000009.12:g.(?_132927181)_(132927324_?)del

Gene: TSC1 (TSC complex subunit 1; minus strand). Cytogenetic location: 9q34.13.
Variant type: Deletion.
Identifiers: ClinVar variation 830656 (VCV000830656.5).

ClinVar aggregate classification (germline): Pathogenic (1 of 4 stars; one submission).

Conditions:
Tuberous sclerosis 1 (TSC1). Identifiers: Orphanet 805, MedGen C1854465, MONDO:0008612, OMIM 191100.

Submission:

Labcorp Genetics (formerly Invitae), Labcorp
Classification: Pathogenic for Tuberous sclerosis 1. Last evaluated: 2020-05-20. Review status: criteria provided, single submitter. Criteria: Invitae Variant Classification Sherloc (09022015). Collection method: clinical testing. Allele origin: germline.
Comment: For these reasons, this variant has been classified as Pathogenic. Loss-of-function variants in TSC1 are known to be pathogenic (PMID: 10227394, 17304050). This variant has not been reported in the literature in individuals with TSC1-related conditions. This variant is an out-of-frame deletion of the genomic region encompassing exon 4 of the TSC1 gene. This is expected to create a premature translational stop signal and result in an absent or disrupted protein product.

Literature cited by the submitters: PubMed 10227394; PubMed 17304050.